The following is an entry in ClinVar:

ClinVar aggregate classification (germline): Conflicting classifications of pathogenicity. Review status: criteria provided, conflicting classifications (1 of 4 stars). 9 submissions from 9 submitters: Likely pathogenic (4); Uncertain significance (4). 1 of the submissions does not count toward it. Last evaluated 2025-12-29.
ClinVar aggregate classification (somatic clinical impact): Tier II - Potential (0 of 4 stars; one submission).

Conditions:
RNF43-related disorder. Also called: RNF43-related condition.
Sessile serrated polyposis cancer syndrome (SSPCS). Identifiers: Orphanet 157798, MedGen C4310714, MONDO:0014919, OMIM 617108.
Inherited polyposis and early onset colorectal cancer - germline testing.
Colorectal cancer. Also called: Colorectal cancer, somatic; Malignant Colorectal Neoplasm. Identifiers: MedGen C0346629, MONDO:0005575, OMIM 114500.

Submissions (10):

Labcorp Genetics (formerly Invitae), Labcorp
Classification: Uncertain significance. Last evaluated: 2025-12-29. Review status: criteria provided, single submitter. Criteria: Invitae Variant Classification Sherloc (09022015). Collection method: clinical testing. Allele origin: germline.
Comment: This sequence change creates a premature translational stop signal (p.Pro660Serfs*87) in the RNF43 gene. It is expected to result in an absent or disrupted protein product. However, the current clinical and genetic evidence is not sufficient to establish whether loss-of-function variants in RNF43 cause disease. The frequency data for this variant in the population databases is considered unreliable, as metrics indicate poor data quality at this position in the gnomAD database. This premature translational stop signal has been observed in individual(s) with colorectal cancer (PMID: 35907983). ClinVar contains an entry for this variant (Variation ID: 1319730). In summary, the available evidence is currently insufficient to determine the role of this variant in disease. Therefore, it has been classified as a Variant of Uncertain Significance.

Cambridge Genomics Laboratory, East Genomic Laboratory Hub, NHS Genomic Medicine Service
Classification: Likely pathogenic for Inherited polyposis and early onset colorectal cancer - germline testing. Last evaluated: 2025-03-13. Review status: criteria provided, single submitter. Criteria: ACGS Best Practice Guidelines for Variant Classification in Rare Disease 2020. Collection method: clinical testing. Allele origin: germline. Affected: yes.
Comment: PVS1

Center for Genomic Medicine, Rigshospitalet, Copenhagen University Hospital
Classification: Likely pathogenic. Last evaluated: 2025-03-04. Review status: criteria provided, single submitter. Criteria: ACMG Guidelines, 2015. Collection method: clinical testing. Allele origin: germline.

Ambry Genetics
Classification: Uncertain significance. Last evaluated: 2025-01-30. Review status: criteria provided, single submitter. Criteria: Ambry Variant Classification Scheme 2023. Collection method: clinical testing. Allele origin: germline.
Comment: The c.1976dupG variant, located in coding exon 8 of the RNF43 gene, results from a duplication of G at nucleotide position 1976, causing a translational frameshift with a predicted alternate stop codon (p.P660Sfs*87). This alteration is expected to result in loss of function by premature protein truncation or nonsense-mediated mRNA decay. The evidence for this gene-disease relationship is limited; therefore, the clinical significance of this alteration is unclear.

Laboratorio de Genetica e Diagnostico Molecular, Hospital Israelita Albert Einstein
Classification: Likely pathogenic for Sessile serrated polyposis cancer syndrome. Last evaluated: 2024-11-21. Review status: criteria provided, single submitter. Criteria: ACMG Guidelines, 2015. Collection method: clinical testing. Allele origin: germline. Affected: yes.
Comment: ACMG classification criteria: PVS1 very strong, PM2 supporting

GeneDx
Classification: Uncertain significance. Last evaluated: 2024-10-01. Review status: criteria provided, single submitter. Criteria: GeneDx Variant Classification Process June 2021. Collection method: clinical testing. Allele origin: germline. Affected: yes.
Comment: Frameshift variant predicted to result in protein truncation or nonsense mediated decay in a gene for which loss of function is a known mechanism of disease; Published functional studies demonstrate increased sensitivity to Wnt inhibitors (PMID: 33067269); This variant is associated with the following publications: (PMID: 35907983, 33067269)

Baylor Genetics
Classification: Uncertain significance for Sessile serrated polyposis cancer syndrome. Last evaluated: 2023-10-16. Review status: criteria provided, single submitter. Criteria: ACMG Guidelines, 2015. Collection method: clinical testing. Allele origin: unknown.

Institute for Clinical Genetics, University Hospital TU Dresden, University Hospital TU Dresden
Classification: Likely pathogenic. Last evaluated: 2021-11-03. Review status: criteria provided, single submitter. Criteria: ACMG Guidelines, 2015. Collection method: clinical testing. Allele origin: germline.

Department of Clinical Biochemistry, Naestved Hospital
Classification: Tier II - Potential for Colorectal cancer. Assertion type: prognostic. Clinical significance: better outcome. Last evaluated: 2024-10-10. Review status: no assertion criteria provided. Collection method: research. Allele origin: somatic.
Comment: Likely loss-of-function

PreventionGenetics, part of Exact Sciences
Classification: Uncertain significance for RNF43-related condition. Last evaluated: 2024-05-31. Review status: no assertion criteria provided. Collection method: clinical testing. Allele origin: germline. Not counted in ClinVar's aggregate classification.
Comment: The RNF43 c.1976dupG variant is predicted to result in a frameshift and premature protein termination (p.Pro660Serfs*87). This variant has been reported as a somatic alteration in tumor tissue from a patient with colorectal cancer (Siraj et al. 2022. PubMed ID: 35907983) but has not been reported as a germline variant to our knowledge. This variant is reported in 0.0063% of alleles in individuals of African descent in gnomAD, although data quality is questionable at this position and should be treated with caution. This variant has conflicting interpretations in ClinVar ranging from uncertain to likely pathogenic. Currently, loss-of-function is not a well established mechanism of RNF43-related disease. At this time, the clinical significance of this variant is uncertain at this time due to the absence of conclusive functional and genetic evidence.

Literature cited by the submitters: PubMed 35907983 (cited by Labcorp Genetics (formerly Invitae), Labcorp and Center for Genomic Medicine, Rigshospitalet, Copenhagen University Hospital).

NM_017763.6(RNF43):c.1976dup (p.Pro660fs)

Gene: RNF43 (ring finger protein 43; minus strand). Cytogenetic location: 17q22.
Variant type: Duplication.
Coding change: c.1976dup on transcript NM_017763.6 (MANE Select); coding-DNA position 1976, one base duplicated (G; older notation c.1976dupG).
Protein change: p.Pro660fs; shifts the reading frame from proline 660.
Molecular consequence: frameshift variant.
Genome position (GRCh38, 1-based): chr17:58,357,800, C duplicated on the plus strand (G on the coding strand, the reverse complement: RNF43 is on the minus strand); the first of 7 consecutive C bases (chr17:58,357,800-58,357,806); duplicating any one gives the same sequence. VCF-style (leftmost placement, unchanged base first): chr17-58357799-A-AC. GRCh37 (hg19) VCF-style: chr17-56435160-A-AC.
Other names: c.1976dupG (NM_017763.6, NM_017763.5); c.1970dup, p.Pro660Serfs (NM_001305544.3); c.1589dup, p.Pro533Serfs (NM_001305545.2); short protein forms P660fs, P533fs.
Identifiers: ClinVar variation 1319730 (VCV001319730.19), dbSNP rs755128667, ClinGen allele CA8673080.